The following is an entry in ClinVar:

NM_001032386.2(SUOX):c.1268T>C (p.Leu423Pro)

Gene: SUOX (sulfite oxidase; plus strand). Cytogenetic location: 12q13.2.
Variant type: single nucleotide variant.
Coding change: c.1268T>C on transcript NM_001032386.2 (MANE Select); coding-DNA position 1268, T replaced by C.
Protein change: p.Leu423Pro; replaces leucine 423 with proline.
Molecular consequence: missense variant.
Genome position (GRCh38, 1-based): chr12:56,004,657, T>C. VCF-style: chr12-56004657-T-C. GRCh37 (hg19) VCF-style: chr12-56398441-T-C.
Other names: c.1268T>C, p.Leu423Pro (NM_000456.3, NM_001032387.2); short protein forms L423P.
Identifiers: ClinVar variation 2097207 (VCV002097207.4), dbSNP rs761809330, ClinGen allele CA6621138.
Genomic context (GRCh38, chr12:56,004,657, plus strand): 5'-TCTCTCCATCTGTGGACTGGGAGACTGTAGATTTTGACTCTGCTCCATCCATTCAGGAAC[T>C]TCCTGTCCAGTCGGCCATCACAGAGCCCCGGGATGGAGAGACTGTAGAATCAGGGGAGGT-3'
Protein context (NP_001027558.1, residues 413-433): DFDSAPSIQE[Leu423Pro]PVQSAITEPR

ClinVar aggregate classification (germline): Uncertain significance (1 of 4 stars; one submission).

Conditions:
Sulfite oxidase deficiency. Also called: Isolated sulfite oxidase deficiency. Identifiers: Orphanet 833, Orphanet 99731, MedGen C0268624, MONDO:0010089, OMIM 272300, HP:0003643.

Allele frequency attached by ClinVar (database versions not stated): gnomAD exomes below 0.00001; ExAC 0.00001.

Submission:

Labcorp Genetics (formerly Invitae), Labcorp
Classification: Uncertain significance for Sulfite oxidase deficiency. Last evaluated: 2022-07-22. Review status: criteria provided, single submitter. Criteria: Invitae Variant Classification Sherloc (09022015). Collection method: clinical testing. Allele origin: germline.
Comment: In summary, the available evidence is currently insufficient to determine the role of this variant in disease. Therefore, it has been classified as a Variant of Uncertain Significance. Algorithms developed to predict the effect of missense changes on protein structure and function (SIFT, PolyPhen-2, Align-GVGD) all suggest that this variant is likely to be disruptive. This variant has not been reported in the literature in individuals affected with SUOX-related conditions. This variant is present in population databases (rs761809330, gnomAD 0.0009%). This sequence change replaces leucine, which is neutral and non-polar, with proline, which is neutral and non-polar, at codon 423 of the SUOX protein (p.Leu423Pro).